The following is an entry in ClinVar:

ClinVar aggregate classification (germline): Uncertain significance (1 of 4 stars; one submission).

gnomAD v4.1: 1 of 1,614,124 alleles (0.000062%); highest among the groups gnomAD compares: Non-Finnish European, 0.000085%; no homozygotes.

Submission:

Labcorp Genetics (formerly Invitae), Labcorp
Classification: Uncertain significance. Last evaluated: 2022-07-14. Review status: criteria provided, single submitter. Criteria: Invitae Variant Classification Sherloc (09022015). Collection method: clinical testing. Allele origin: germline.
Comment: In summary, the available evidence is currently insufficient to determine the role of this variant in disease. Therefore, it has been classified as a Variant of Uncertain Significance. Algorithms developed to predict the effect of missense changes on protein structure and function (SIFT, PolyPhen-2, Align-GVGD) all suggest that this variant is likely to be tolerated. ClinVar contains an entry for this variant (Variation ID: 1388522). This variant has not been reported in the literature in individuals affected with POLE-related conditions. This variant is not present in population databases (gnomAD no frequency). This sequence change replaces valine, which is neutral and non-polar, with leucine, which is neutral and non-polar, at codon 1218 of the POLE protein (p.Val1218Leu).

NM_006231.4(POLE):c.3652G>T (p.Val1218Leu)

Gene: POLE (DNA polymerase epsilon, catalytic subunit; minus strand). Cytogenetic location: 12q24.33.
Variant type: single nucleotide variant.
Coding change: c.3652G>T on transcript NM_006231.4 (MANE Select); coding-DNA position 3652, G replaced by T.
Protein change: p.Val1218Leu; replaces valine 1218 with leucine.
Molecular consequence: missense variant.
Genome position (GRCh38, 1-based): chr12:132,649,820, C>A on the plus strand (G>T on the coding strand, the complement: POLE is on the minus strand). VCF-style: chr12-132649820-C-A. GRCh37 (hg19) VCF-style: chr12-133226406-C-A.
Other names: short protein forms V1218L.
Identifiers: ClinVar variation 1388522 (VCV001388522.6), dbSNP rs756246229, ClinGen allele CA387386771.
Genomic context (GRCh38, chr12:132,649,820, plus strand): 5'-TCTCCCAAAGAACTCGCTTCCTCTTCACAGTGACAGGGGCTGCTGGGTGAGGCAGCTTTA[C>A]GAGGCCGAAGTCCTCCATGTCAGGAGCACTTGGCCTCGGACTGTCTTCTGAGGCCTCGGC-3'
Protein context (NP_006222.2, residues 1208-1228): SAPDMEDFGL[Val1218Leu]KLPHPAAPVT